The following is an entry in ClinVar:

ClinVar aggregate classification (germline): Uncertain significance (1 of 4 stars; one submission).

Conditions:
Hypertrophic cardiomyopathy. Also called: HYPERTROPHIC MYOCARDIOPATHY. Identifiers: Orphanet 217569, MedGen C0007194, MeSH D002312, MONDO:0005045, HP:0001639.

Submission:

All of Us Research Program, National Institutes of Health
Classification: Uncertain significance for Hypertrophic cardiomyopathy. Last evaluated: 2024-04-16. Review status: criteria provided, single submitter. Criteria: ACMG Guidelines, 2015. Collection method: clinical testing. Allele origin: germline. Inheritance: Autosomal dominant inheritance. Observed: 1 variant allele, 1 heterozygote.
Comment: This missense variant replaces arginine with glycine at codon 63 of the TNNI3 protein. Computational prediction is inconclusive regarding the impact of this variant on protein structure and function (internally defined REVEL score threshold 0.5 < inconclusive < 0.7, PMID: 27666373). To our knowledge, functional studies have not been reported for this variant. This variant has not been reported in individuals affected with TNNI3-related disorders in the literature. This variant has not been identified in the general population by the Genome Aggregation Database (gnomAD). The available evidence is insufficient to determine the role of this variant in disease conclusively. Therefore, this variant is classified as a Variant of Uncertain Significance.

This study involves interpretation of variants in research participants for the purpose of population health screening. Participant phenotype was not available at the time of variant classification. Additional details can be found in publication PMID: 35346344, PMCID: PMC8962531

NM_000363.5(TNNI3):c.187C>G (p.Arg63Gly)

Gene: TNNI3 (troponin I3, cardiac type; minus strand). Cytogenetic location: 19q13.42.
Variant type: single nucleotide variant.
Coding change: c.187C>G on transcript NM_000363.5 (MANE Select); coding-DNA position 187, C replaced by G.
Protein change: p.Arg63Gly; replaces arginine 63 with glycine.
Molecular consequence: missense variant.
Genome position (GRCh38, 1-based): chr19:55,156,296, G>C on the plus strand (C>G on the coding strand, the complement: TNNI3 is on the minus strand). VCF-style: chr19-55156296-G-C. GRCh37 (hg19) VCF-style: chr19-55667664-G-C.
Other names: short protein forms R63G.
Identifiers: ClinVar variation 3386103 (VCV003386103.1).